The following is an entry in ClinVar:

ClinVar aggregate classification (germline): Pathogenic. Review status: criteria provided, multiple submitters, no conflicts (2 of 4 stars). 2 submissions from 2 submitters: Pathogenic (2). Last evaluated 2022-12-06.

Conditions:
Neuronal ceroid lipofuscinosis 7 (CLN7). Also called: MFSD8-Related Neuronal Ceroid-Lipofuscinosis. Identifiers: Orphanet 168491, Orphanet 228366, MedGen C1838571, MONDO:0012588, OMIM 610951.

Submissions (2):

Labcorp Genetics (formerly Invitae), Labcorp
Classification: Pathogenic for Neuronal ceroid lipofuscinosis 7. Last evaluated: 2022-12-06. Review status: criteria provided, single submitter. Criteria: Invitae Variant Classification Sherloc (09022015). Collection method: clinical testing. Allele origin: germline.
Comment: For these reasons, this variant has been classified as Pathogenic. ClinVar contains an entry for this variant (Variation ID: 1356532). This variant has not been reported in the literature in individuals affected with MFSD8-related conditions. This variant is not present in population databases (gnomAD no frequency). This sequence change creates a premature translational stop signal (p.Leu355*) in the MFSD8 gene. It is expected to result in an absent or disrupted protein product. Loss-of-function variants in MFSD8 are known to be pathogenic (PMID: 19177532, 25227500, 28586915).

3billion
Classification: Pathogenic for Neuronal ceroid lipofuscinosis 7. Last evaluated: 2022-05-22. Review status: criteria provided, single submitter. Criteria: ACMG Guidelines, 2015. Collection method: clinical testing. Allele origin: germline. Affected: yes. Observed: 1 homozygote.
Comment: The variant is not observed in the gnomAD v2.1.1 dataset. Stop-gained (nonsense): predicted to result in a loss or disruption of normal protein function through nonsense-mediated decay (NMD) or protein truncation. Multiple pathogenic variants are reported downstream of the variant. Therefore, this variant is classified as pathogenic according to the recommendation of ACMG/AMP guideline.

Literature cited by the submitters: PubMed 19177532 (cited by Labcorp Genetics (formerly Invitae), Labcorp); PubMed 25227500 (cited by Labcorp Genetics (formerly Invitae), Labcorp); PubMed 28586915 (cited by Labcorp Genetics (formerly Invitae), Labcorp).

NM_001371596.2(MFSD8):c.1064T>G (p.Leu355Ter)

Gene: MFSD8 (major facilitator superfamily domain containing 8; minus strand). Cytogenetic location: 4q28.2.
Variant type: single nucleotide variant.
Coding change: c.1064T>G on transcript NM_001371596.2 (MANE Select); coding-DNA position 1064, T replaced by G.
Protein change: p.Leu355Ter; replaces leucine 355 with a stop codon.
Molecular consequence: nonsense.
Genome position (GRCh38, 1-based): chr4:127,921,898, A>C on the plus strand (T>G on the coding strand, the complement: MFSD8 is on the minus strand). VCF-style: chr4-127921898-A-C. GRCh37 (hg19) VCF-style: chr4-128843053-A-C.
Other names: c.863T>G, p.Leu288Ter (NM_001363520.3); c.749T>G, p.Leu250Ter (NM_001363521.3); c.929T>G, p.Leu310Ter (NM_001371590.2); c.1064T>G, p.Leu355Ter (NM_001371591.2, NM_152778.4); c.1070T>G, p.Leu357Ter (NM_001371592.2); c.950T>G, p.Leu317Ter (NM_001371593.2); c.917T>G, p.Leu306Ter (NM_001371594.2); c.782T>G, p.Leu261Ter (NM_001371595.1); and 1 more; short protein forms L310*, L250*, L357*, L288*, L306*, L317*, L355*, L261*.
Identifiers: ClinVar variation 1356532 (VCV001356532.8), dbSNP rs2148841110, ClinGen allele CA358171816.
Genomic context (GRCh38, chr4:127,921,898, plus strand): 5'-ATAGAATTATGTATGGCTATACCTTCCCACTGTATTTTGGGAAATTGATTTCCCCAAGGT[A>C]ACAAGATAAAGAAGCCAACCCATACAACGATGAGTCCTCCCAGTAGAATAGCACGCTCGC-3'